The following is an entry in ClinVar:

ClinVar aggregate classification (germline): Likely benign. Review status: criteria provided, multiple submitters, no conflicts (2 of 4 stars). 2 submissions from 2 submitters: Likely benign (2). Last evaluated 2025-03-18.

Allele frequency attached by ClinVar (database versions not stated): ExAC 0.00005; gnomAD exomes 0.00005; ESP Exome Variant Server 0.00008.
gnomAD v4.1: 81 of 1,613,814 alleles (0.005%); highest among the groups gnomAD compares: Non-Finnish European, 0.0064%; no homozygotes.

Submissions (2):

Labcorp Genetics (formerly Invitae), Labcorp
Classification: Likely benign. Last evaluated: 2025-03-18. Review status: criteria provided, single submitter. Criteria: Invitae Variant Classification Sherloc (09022015). Collection method: clinical testing. Allele origin: germline.

CeGaT Center for Human Genetics Tuebingen
Classification: Likely benign. Last evaluated: 2022-07-01. Review status: criteria provided, single submitter. Criteria: CeGaT Center For Human Genetics Tuebingen Variant Classification Criteria Version 2. Collection method: clinical testing. Allele origin: germline. Affected: yes. Observed: 1 variant allele.
Comment: FAT2: BP4, BP7

NM_001447.3(FAT2):c.3045T>C (p.His1015=)

Gene: FAT2 (FAT atypical cadherin 2; minus strand). Cytogenetic location: 5q33.1.
Variant type: single nucleotide variant.
Coding change: c.3045T>C on transcript NM_001447.3 (MANE Select); coding-DNA position 3045, T replaced by C.
Protein change: p.His1015=; no amino-acid change (histidine 1015 retained).
Molecular consequence: synonymous variant.
Genome position (GRCh38, 1-based): chr5:151,565,887, A>G on the plus strand (T>C on the coding strand, the complement: FAT2 is on the minus strand). VCF-style: chr5-151565887-A-G. GRCh37 (hg19) VCF-style: chr5-150945448-A-G.
Identifiers: ClinVar variation 2147664 (VCV002147664.28), dbSNP rs370592223, ClinGen allele CA3521933.